The following is an entry in ClinVar:

NM_001267550.2(TTN):c.9472-3C>T

Gene: TTN (titin; minus strand). Cytogenetic location: 2q31.2.
Variant type: single nucleotide variant.
Coding change: c.9472-3C>T on transcript NM_001267550.2 (MANE Select); 3 bases into the intron before coding-DNA position 9472, C replaced by T.
Molecular consequence: intron variant.
Genome position (GRCh38, 1-based): chr2:178,766,615, G>A on the plus strand (C>T on the coding strand, the complement: TTN is on the minus strand). VCF-style: chr2-178766615-G-A. GRCh37 (hg19) VCF-style: chr2-179631342-G-A.
Other names: c.9334-3C>T (NM_003319.4, NM_133437.4, NM_133432.3); c.9472-3C>T (NM_133378.4, NM_001256850.1, NM_133379.5).
Identifiers: ClinVar variation 518723 (VCV000518723.5), dbSNP rs1553988133, ClinGen allele CA658796059.

ClinVar aggregate classification (germline): Uncertain significance (1 of 4 stars; one submission).

Conditions:
Cardiovascular phenotype. Identifiers: MedGen CN230736.

Allele frequency attached by ClinVar (database versions not stated): gnomAD exomes below 0.00001.
gnomAD v4.1: 3 of 1,609,726 alleles (0.00019%); highest among the groups gnomAD compares: Non-Finnish European, 0.00025%; no homozygotes.

Submission:

Ambry Genetics
Classification: Uncertain significance for Cardiovascular phenotype. Last evaluated: 2017-10-12. Review status: criteria provided, single submitter. Criteria: Ambry Variant Classification Scheme 2023. Collection method: clinical testing. Allele origin: germline.
Comment: The c.9334-3C>T intronic variant results from a C to T substitution 3 nucleotides upstream from coding exon 39 in the TTN gene. This nucleotide position is poorly conserved in available vertebrate species. Using the BDGP and ESEfinder splice site prediction tools, this alteration is not predicted to have any significant effect on this splice acceptor site; however, direct evidence is unavailable. Since supporting evidence is limited at this time, the clinical significance of this alteration remains unclear.